The following is an entry in ClinVar:

ClinVar aggregate classification (germline): Uncertain significance (1 of 4 stars; one submission).

Allele frequency attached by ClinVar (database versions not stated): gnomAD exomes below 0.00001.
gnomAD v4.1: 1 of 1,604,230 alleles (0.000062%); highest among the groups gnomAD compares: Non-Finnish European, 0.000085%; no homozygotes.

Submission:

GeneDx
Classification: Uncertain significance. Last evaluated: 2023-01-09. Review status: criteria provided, single submitter. Criteria: GeneDx Variant Classification Process June 2021. Collection method: clinical testing. Allele origin: germline. Affected: yes.
Comment: Not observed at significant frequency in large population cohorts (gnomAD); In silico analysis supports that this missense variant does not alter protein structure/function; Has not been previously published as pathogenic or benign to our knowledge

NM_015021.3(ZNF292):c.7849A>G (p.Thr2617Ala)

Gene: ZNF292 (zinc finger protein 292; plus strand). Cytogenetic location: 6q14.3.
Variant type: single nucleotide variant.
Coding change: c.7849A>G on transcript NM_015021.3 (MANE Select); coding-DNA position 7849, A replaced by G.
Protein change: p.Thr2617Ala; replaces threonine 2617 with alanine.
Molecular consequence: missense variant.
Genome position (GRCh38, 1-based): chr6:87,261,478, A>G. VCF-style: chr6-87261478-A-G. GRCh37 (hg19) VCF-style: chr6-87971196-A-G.
Other names: c.7429A>G, p.Thr2477Ala (NM_001351444.2); short protein forms T2477A, T2617A.
Identifiers: ClinVar variation 2571712 (VCV002571712.1), dbSNP rs2482376797, ClinGen allele CA364945385.